The following is an entry in ClinVar:

NM_001127511.3(APC):c.-1T>C

Gene: APC (APC regulator of Wnt signaling pathway; plus strand). Cytogenetic location: 5q22.2.
Variant type: single nucleotide variant.
Coding change: c.-1T>C on transcript NM_001127511.3; 1 bases upstream of the start codon, T replaced by C.
Molecular consequence: 5 prime UTR variant. On other transcripts: non-coding transcript variant (1), intron variant (5).
Genome position (GRCh38, 1-based): chr5:112,707,717, T>C. VCF-style: chr5-112707717-T-C. GRCh37 (hg19) VCF-style: chr5-112043414-T-C.
Other names: c.-184T>C (NM_001354895.2, NM_001407447.1, NM_001407452.1 and 3 more transcripts); c.-1T>C (NM_001354897.2, NM_001354902.2, NM_001407446.1); c.-1219T>C (NM_001407470.1, NM_001407472.1); c.-19+68T>C (NM_001407448.1, NM_001407450.1, NM_001407457.1 and 1 more transcripts); c.-43+68T>C (NM_001407453.1).
Identifiers: ClinVar variation 1044565 (VCV001044565.47), dbSNP rs1750600817, ClinGen allele CA1573442670.

ClinVar aggregate classification (germline): Uncertain significance (1 of 4 stars; one submission).

Conditions:
Familial adenomatous polyposis 1 (FAP1). Also called: FAMILIAL ADENOMATOUS POLYPOSIS 1, ATTENUATED; POLYPOSIS, ADENOMATOUS INTESTINAL. Identifiers: MedGen C2713442, MONDO:0021056, OMIM 175100. Disease mechanism: loss of function.

Submission:

Labcorp Genetics (formerly Invitae), Labcorp
Classification: Uncertain significance for Familial adenomatous polyposis 1. Last evaluated: 2026-01-27. Review status: criteria provided, single submitter. Criteria: Invitae Variant Classification Sherloc (09022015). Collection method: clinical testing. Allele origin: germline.
Comment: This variant occurs in a non-coding region of the APC gene. It does not change the encoded amino acid sequence of the APC protein. This variant is not present in population databases (gnomAD no frequency). This variant has not been reported in the literature in individuals affected with APC-related conditions. Experimental studies and prediction algorithms are not available or were not evaluated, and the functional significance of this variant is currently unknown. In summary, the available evidence is currently insufficient to determine the role of this variant in disease. Therefore, it has been classified as a Variant of Uncertain Significance.